The following is an entry in ClinVar:

ClinVar aggregate classification (germline): Conflicting classifications of pathogenicity. Review status: criteria provided, conflicting classifications (1 of 4 stars). 4 submissions from 3 submitters: Uncertain significance (3); Likely benign (1). Last evaluated 2025-09-16.

Conditions:
Cardiovascular phenotype. Identifiers: MedGen CN230736.
Hereditary cancer-predisposing syndrome. Also called: Tumor predisposition; Hereditary Cancer Syndrome; Hereditary neoplastic syndrome; Neoplastic Syndromes, Hereditary. Identifiers: Orphanet 140162, MedGen C0027672, MeSH D009386, MONDO:0015356.
Neurofibromatosis, type 1 (NF1). Also called: VON RECKLINGHAUSEN DISEASE; NEUROFIBROMATOSIS, TYPE I, SOMATIC; Peripheral type neurofibromatosis; Neurofibromatosis, type I. Identifiers: Orphanet 636, MedGen C0027831, MONDO:0018975, OMIM 162200. Disease mechanism: loss of function.

Allele frequency attached by ClinVar (database versions not stated): gnomAD exomes 0.00001; ExAC 0.00002.
gnomAD v4.1: 12 of 1,614,042 alleles (0.00074%); highest among the groups gnomAD compares: South Asian, 0.0011%; no homozygotes.

Submissions (4):

Labcorp Genetics (formerly Invitae), Labcorp
Classification: Likely benign for Neurofibromatosis, type 1. Last evaluated: 2025-09-16. Review status: criteria provided, single submitter. Criteria: Invitae Variant Classification Sherloc (09022015). Collection method: clinical testing. Allele origin: germline.

Ambry Genetics
Classification: Uncertain significance for Cardiovascular phenotype; Hereditary cancer-predisposing syndrome. Last evaluated: 2022-12-13. Review status: criteria provided, single submitter. Criteria: Ambry Variant Classification Scheme 2023. Collection method: clinical testing. Allele origin: germline.

Genome-Nilou Lab
Classification: Uncertain significance for Neurofibromatosis, type 1. Last evaluated: 2022-03-15. Review status: criteria provided, single submitter. Criteria: ACMG Guidelines, 2015. Collection method: clinical testing. Allele origin: germline. Affected: no.

Ambry Genetics
Classification: Uncertain significance for Hereditary cancer-predisposing syndrome. Last evaluated: 2014-07-18. Review status: criteria provided, single submitter. Criteria: Ambry Autosomal Dominant and X-Linked criteria (10/2015). Collection method: clinical testing. Allele origin: germline. Observed: 1 variant allele.
Comment: The p.I1499V variant (also known as c.4495A>G), located in coding exon 34 of the NF1 gene, results from an A to G substitution at nucleotide position 4495. The isoleucine at codon 1499 is replaced by valine, an amino acid with highly similar properties. This variant was not reported in population based cohorts in the following databases: Database of Single Nucleotide Polymorphisms (dbSNP), NHLBI Exome Sequencing Project (ESP), and 1000 Genomes Project. In the ESP, this variant was not observed in 6503 samples (13006 alleles) with coverage at this position. To date, this alteration has been detected with an allele frequency of approximately 0.01% (greater than 11000 alleles tested) in our clinical cohort. This amino acid position is highly conserved in available vertebrate species. In addition, this alteration is predicted to be benign and tolerated by PolyPhen and SIFT in silico analyses, respectively. Since supporting evidence is limited at this time, the clinical significance of p.I1499V remains unclear.

NM_001042492.3(NF1):c.4495A>G (p.Ile1499Val)

Gene: NF1 (neurofibromin 1; plus strand). Cytogenetic location: 17q11.2.
Variant type: single nucleotide variant.
Coding change: c.4495A>G on transcript NM_001042492.3 (MANE Select); coding-DNA position 4495, A replaced by G.
Protein change: p.Ile1499Val; replaces isoleucine 1499 with valine.
Molecular consequence: missense variant.
Genome position (GRCh38, 1-based): chr17:31,260,433, A>G. VCF-style: chr17-31260433-A-G. GRCh37 (hg19) VCF-style: chr17-29587451-A-G.
Other names: c.4432A>G, p.Ile1478Val (NM_000267.4); short protein forms I1478V, I1499V.
Identifiers: ClinVar variation 185497 (VCV000185497.12), dbSNP rs764654925, ClinGen allele CA192115.